The following is an entry in ClinVar:

NM_000732.6(CD3D):c.356C>T (p.Ala119Val)

Gene: CD3D (CD3 delta subunit of T-cell receptor complex; minus strand). Cytogenetic location: 11q23.3.
Variant type: single nucleotide variant.
Coding change: c.356C>T on transcript NM_000732.6 (MANE Select); coding-DNA position 356, C replaced by T.
Protein change: p.Ala119Val; replaces alanine 119 with valine.
Molecular consequence: missense variant. On other transcripts: intron variant (1).
Genome position (GRCh38, 1-based): chr11:118,339,825, G>A on the plus strand (C>T on the coding strand, the complement: CD3D is on the minus strand). VCF-style: chr11-118339825-G-A. GRCh37 (hg19) VCF-style: chr11-118210540-G-A.
Other names: c.275-331C>T (NM_001040651.2); short protein forms A119V.
Identifiers: ClinVar variation 952605 (VCV000952605.1), dbSNP rs1948284280, ClinGen allele CA382788202.

ClinVar aggregate classification (germline): Uncertain significance (1 of 4 stars; one submission).

Conditions:
Immunodeficiency 19 (IMD19). Also called: CD3-DELTA DEFICIENCY; SEVERE COMBINED IMMUNODEFICIENCY, T CELL-NEGATIVE, B CELL-POSITIVE, NK CELL-POSITIVE; SCID, T CELL-NEGATIVE, B CELL-POSITIVE, NK CELL-POSITIVE; IMMUNODEFICIENCY 19, SEVERE COMBINED. Identifiers: MedGen C3810147, MONDO:0014280, OMIM 615617.

Submission:

Labcorp Genetics (formerly Invitae), Labcorp
Classification: Uncertain significance for Immunodeficiency 19. Last evaluated: 2019-04-08. Review status: criteria provided, single submitter. Criteria: Invitae Variant Classification Sherloc (09022015). Collection method: clinical testing. Allele origin: germline.
Comment: This sequence change replaces alanine with valine at codon 119 of the CD3D protein (p.Ala119Val). The alanine residue is highly conserved and there is a small physicochemical difference between alanine and valine. This variant is not present in population databases (ExAC no frequency). This variant has not been reported in the literature in individuals with CD3D-related conditions. Algorithms developed to predict the effect of missense changes on protein structure and function (SIFT, PolyPhen-2, Align-GVGD) all suggest that this variant is likely to be disruptive, but these predictions have not been confirmed by published functional studies and their clinical significance is uncertain. In summary, the available evidence is currently insufficient to determine the role of this variant in disease. Therefore, it has been classified as a Variant of Uncertain Significance.